The following is an entry in ClinVar:

ClinVar aggregate classification (germline): Uncertain significance. Review status: criteria provided, multiple submitters, no conflicts (2 of 4 stars). 2 submissions from 2 submitters: Uncertain significance (2). Last evaluated 2024-01-04.

Conditions:
Autosomal recessive mendelian susceptibility to mycobacterial diseases due to complete RORgamma receptor deficiency. Also called: Immunodeficiency 42. Identifiers: Orphanet 477857, MedGen C5567647, MONDO:0014710, OMIM 616622.
Inborn genetic diseases. Identifiers: MedGen C0950123, MeSH D030342.

Allele frequency attached by ClinVar (database versions not stated): gnomAD 0.00001; TOPMed 0.00005; ExAC 0.00008; gnomAD exomes 0.00011.
gnomAD v4.1: 32 of 1,613,888 alleles (0.002%); highest among the groups gnomAD compares: Admixed American, 0.052%; no homozygotes.

Submissions (2):

Ambry Genetics
Classification: Uncertain significance for Inborn genetic diseases. Last evaluated: 2024-01-04. Review status: criteria provided, single submitter. Criteria: Ambry Variant Classification Scheme 2023. Collection method: clinical testing. Allele origin: germline.

Labcorp Genetics (formerly Invitae), Labcorp
Classification: Uncertain significance for Autosomal recessive mendelian susceptibility to mycobacterial diseases due to complete RORgamma receptor deficiency. Last evaluated: 2021-11-05. Review status: criteria provided, single submitter. Criteria: Invitae Variant Classification Sherloc (09022015). Collection method: clinical testing. Allele origin: germline.
Comment: This sequence change replaces glycine, which is neutral and non-polar, with alanine, which is neutral and non-polar, at codon 181 of the RORC protein (p.Gly181Ala). This variant is present in population databases (rs774465877, gnomAD 0.08%). This variant has not been reported in the literature in individuals affected with RORC-related conditions. Algorithms developed to predict the effect of missense changes on protein structure and function output the following: SIFT: "Tolerated"; PolyPhen-2: "Benign"; Align-GVGD: "Class C0". The alanine amino acid residue is found in multiple mammalian species, which suggests that this missense change does not adversely affect protein function. In summary, the available evidence is currently insufficient to determine the role of this variant in disease. Therefore, it has been classified as a Variant of Uncertain Significance.

NM_005060.4(RORC):c.542G>C (p.Gly181Ala)

Gene: RORC (RAR related orphan receptor C; minus strand). Cytogenetic location: 1q21.3.
Variant type: single nucleotide variant.
Coding change: c.542G>C on transcript NM_005060.4 (MANE Select); coding-DNA position 542, G replaced by C.
Protein change: p.Gly181Ala; replaces glycine 181 with alanine.
Molecular consequence: missense variant.
Genome position (GRCh38, 1-based): chr1:151,815,182, C>G on the plus strand (G>C on the coding strand, the complement: RORC is on the minus strand). VCF-style: chr1-151815182-C-G. GRCh37 (hg19) VCF-style: chr1-151787658-C-G.
Other names: c.479G>C, p.Gly160Ala (NM_001001523.2); c.542G>C (NM_005060.3); short protein forms G160A, G181A.
Identifiers: ClinVar variation 1354305 (VCV001354305.4), dbSNP rs774465877, ClinGen allele CA1095903.